The following is an entry in ClinVar:

NC_000017.10:g.(?_59853752)_(59853933_?)del

Gene: BRIP1 (BRCA1 interacting DNA helicase 1; minus strand). Cytogenetic location: 17q23.2.
Variant type: Deletion.
Identifiers: ClinVar variation 1047753 (VCV001047753.4).

ClinVar aggregate classification (germline): Uncertain significance (1 of 4 stars; one submission).

Conditions:
Fanconi anemia complementation group J. Also called: BRIP1-Related Fanconi Anemia. Identifiers: Orphanet 84, MedGen C1836860, MONDO:0012187, OMIM 609054.
Familial cancer of breast. Also called: BREAST CANCER, FAMILIAL; Hereditary breast cancer; hereditary breast carcinoma. Identifiers: Orphanet 227535, MedGen C0346153, MONDO:0016419, OMIM 114480. Disease mechanism: loss of function.

Submission:

Labcorp Genetics (formerly Invitae), Labcorp
Classification: Uncertain significance for Familial cancer of breast; Fanconi anemia complementation group J. Last evaluated: 2020-11-25. Review status: criteria provided, single submitter. Criteria: Invitae Variant Classification Sherloc (09022015). Collection method: clinical testing. Allele origin: germline.
Comment: In summary, the available evidence is currently insufficient to determine the role of this variant in disease. Therefore, it has been classified as a Variant of Uncertain Significance. Experimental studies and prediction algorithms are not available or were not evaluated, and the functional significance of this variant is currently unknown. This variant has not been reported in the literature in individuals with BRIP1-related conditions. This variant is an in-frame deletion of the genomic region encompassing exon 14 of the BRIP1 gene. It preserves the integrity of the reading frame.